The following is an entry in ClinVar:

ClinVar aggregate classification (germline): Pathogenic/Likely pathogenic. Review status: criteria provided, multiple submitters, no conflicts (2 of 4 stars). 7 submissions from 7 submitters: Pathogenic (4); Likely pathogenic (1). 2 of the submissions do not count toward it. Last evaluated 2026-03-04.

Conditions:
KLHL3-related disorder. Also called: KLHL3-related condition.
Renal tubulopathies.
Pseudohypoaldosteronism type 2D (PHA2D). Also called: FAMILIAL HYPERKALEMIC HYPERTENSION; PSEUDOHYPOALDOSTERONISM, TYPE IID, AUTOSOMAL DOMINANT OR RECESSIVE; Pseudohypoaldosteronism Type IID. Identifiers: Orphanet 300525, Orphanet 757, MedGen C3469605, MONDO:0013781, OMIM 614495.
Pseudohypoaldosteronism type 2A (PHA2A). Also called: GORDON HYPERKALEMIA-HYPERTENSION SYNDROME; HYPERTENSIVE HYPERKALEMIA, FAMILIAL. Identifiers: Orphanet 757, Orphanet 88938, MedGen C1840389, MONDO:0007772, OMIM 145260.

Submissions (7):

Clinical Genetics Laboratory, Skane University Hospital Lund
Classification: Pathogenic for Pseudohypoaldosteronism type 2D. Last evaluated: 2026-03-04. Review status: criteria provided, single submitter. Criteria: ACMG Guidelines, 2015. Collection method: clinical testing. Allele origin: germline. Affected: yes.
Comment: KLHL3 (NM_017415.3) c.1298G>A, p.(Ser433Asn) involves a nucleotide substitution in exon 11 of 15, resulting in the amino acid change described above. The substitution is predicted to affect splicing; however, no studies have to date confirmed this. KLHL3 c.1298G>A has not been identified in the general population and is reported as predominantly pathogenic in the ClinVar database (Variation ID: 30523). In the literature, the variant has been reported in patients with renal tubulopathies/Gordon syndrome (PMID: 31328266, 32774943, 28222034). Segregation in two families with Gordon syndrome has also been observed (PMID: 22266938). The variant has been classified as pathogenic according to the following ACMG criteria: PS4, PM2, PP1_strong, PP3, and PP4.

Genetics Laboratory, Great Ormond Street Hospital NHS Foundation Trust, North Thames Genomic Laboratory Hub
Classification: Likely pathogenic for Renal tubulopathies. Last evaluated: 2025-12-17. Review status: criteria provided, single submitter. Criteria: ACGS Best Practice Guidelines for Variant Classification in Rare Disease 2024 v1.2. Collection method: clinical testing. Allele origin: germline. Affected: yes.
Comment: PS4_moderate, PM2_moderate, PS3_supporting, PP4_supporting

Labcorp Genetics (formerly Invitae), Labcorp
Classification: Pathogenic. Last evaluated: 2025-09-05. Review status: criteria provided, single submitter. Criteria: Invitae Variant Classification Sherloc (09022015). Collection method: clinical testing. Allele origin: germline.
Comment: This sequence change replaces serine, which is neutral and polar, with asparagine, which is neutral and polar, at codon 433 of the KLHL3 protein (p.Ser433Asn). This variant is not present in population databases (gnomAD no frequency). This missense change has been observed in individuals with clinical and/or biochemical features of autosomal dominant Gordon's syndrome and/or renal tubular disease (PMID: 28222034, 31328266, 32774943; internal data). It has also been observed to segregate with disease in related individuals. ClinVar contains an entry for this variant (Variation ID: 30523). Invitae Evidence Modeling of protein sequence and biophysical properties (such as structural, functional, and spatial information, amino acid conservation, physicochemical variation, residue mobility, and thermodynamic stability) indicates that this missense variant is not expected to disrupt KLHL3 protein function with a negative predictive value of 80%. Algorithms developed to predict the effect of sequence changes on RNA splicing suggest that this variant may create or strengthen a splice site. This variant disrupts the p.Ser433 amino acid residue in KLHL3. Other variant(s) that disrupt this residue have been observed in individuals with KLHL3-related conditions (PMID: 22406640), which suggests that this may be a clinically significant amino acid residue. For these reasons, this variant has been classified as Pathogenic.

Fulgent Genetics
Classification: Pathogenic for Pseudohypoaldosteronism type 2D. Last evaluated: 2024-05-08. Review status: criteria provided, single submitter. Criteria: ACMG Guidelines, 2015. Collection method: clinical testing. Allele origin: germline.

Blueprint Genetics
Classification: Pathogenic for KLHL3-related disorders. Last evaluated: 2021-12-21. Review status: criteria provided, single submitter. Criteria: ACMG Guidelines, 2015. Collection method: clinical testing. Allele origin: germline. Affected: yes. Observed: 1 variant allele.

OMIM
Classification: Pathogenic for PSEUDOHYPOALDOSTERONISM, TYPE IID, AUTOSOMAL DOMINANT. Last evaluated: 2012-01-22. Review status: no assertion criteria provided. Collection method: literature only. Allele origin: germline. Not counted in ClinVar's aggregate classification.

Richard Lifton Laboratory, Yale University School of Medicine
Classification: Pathogenic for Pseudohypoaldosteronism, type 2. Review status: no assertion criteria provided. Collection method: not provided. Allele origin: germline. Not counted in ClinVar's aggregate classification.
Comment: dominant;Kelch propeller domain
ClinVar note: Converted during submission from pathogenic to Pathogenic.

Literature cited by the submitters: PubMed 28222034 (cited by Labcorp Genetics (formerly Invitae), Labcorp); PubMed 31328266 (cited by Labcorp Genetics (formerly Invitae), Labcorp); PubMed 32774943 (cited by Labcorp Genetics (formerly Invitae), Labcorp); PubMed 22406640 (cited by Labcorp Genetics (formerly Invitae), Labcorp); PubMed 22266938 (cited by OMIM).

NM_017415.3(KLHL3):c.1298G>A (p.Ser433Asn)

Gene: KLHL3 (kelch like family member 3; minus strand). Cytogenetic location: 5q31.2.
Variant type: single nucleotide variant.
Coding change: c.1298G>A on transcript NM_017415.3 (MANE Select); coding-DNA position 1298, G replaced by A.
Protein change: p.Ser433Asn; replaces serine 433 with asparagine.
Molecular consequence: missense variant.
Genome position (GRCh38, 1-based): chr5:137,637,317, C>T on the plus strand (G>A on the coding strand, the complement: KLHL3 is on the minus strand). VCF-style: chr5-137637317-C-T. GRCh37 (hg19) VCF-style: chr5-136973006-C-T.
Other names: c.1202G>A, p.Ser401Asn (NM_001257194.1); c.1052G>A, p.Ser351Asn (NM_001257195.2); short protein forms S433N, S401N, S351N.
Identifiers: ClinVar variation 30523 (VCV000030523.8), dbSNP rs199469632, ClinGen allele CA129309.
Genomic context (GRCh38, chr5:137,637,317, plus strand): 5'-AGGTAGGCCTGGCCACTGGCCACTGCCGCCTCCTTACCCTCCACAACGCCCACACCCACA[C>T]TGCTCCGCCGCGTGTTCATCGGGGCCACAAAGAACCACTCGTTGGTCTTGTAGCTGTAGG-3'
Protein context (NP_059111.2, residues 423-443): FVAPMNTRRS[Ser433Asn]VGVGVVEGKL